The following is an entry in ClinVar:

NM_015352.2(POFUT1):c.1096C>T (p.Arg366Trp)

Gene: POFUT1 (protein O-fucosyltransferase 1; plus strand). Cytogenetic location: 20q11.21.
Variant type: single nucleotide variant.
Coding change: c.1096C>T on transcript NM_015352.2 (MANE Select); coding-DNA position 1096, C replaced by T.
Protein change: p.Arg366Trp; replaces arginine 366 with tryptophan.
Molecular consequence: missense variant.
Genome position (GRCh38, 1-based): chr20:32,234,590, C>T. VCF-style: chr20-32234590-C-T. GRCh37 (hg19) VCF-style: chr20-30822393-C-T.
Other names: short protein forms R366W.
Identifiers: ClinVar variation 4710579 (VCV004710579.1).

ClinVar aggregate classification (germline): Uncertain significance (1 of 4 stars; one submission).

Conditions:
Dowling-Degos disease 2 (DDD2). Identifiers: Orphanet 79145, MedGen C3809147, MONDO:0014130, OMIM 615327.

gnomAD v4.1: 11 of 1,614,008 alleles (0.00068%); highest among the groups gnomAD compares: East Asian, 0.0022%; no homozygotes.

Submission:

Labcorp Genetics (formerly Invitae), Labcorp
Classification: Uncertain significance for Dowling-Degos disease 2. Last evaluated: 2025-08-08. Review status: criteria provided, single submitter. Criteria: Invitae Variant Classification Sherloc (09022015). Collection method: clinical testing. Allele origin: germline.
Comment: This sequence change replaces arginine, which is basic and polar, with tryptophan, which is neutral and slightly polar, at codon 366 of the POFUT1 protein (p.Arg366Trp). This variant is present in population databases (no rsID available, gnomAD 0.007%). This missense change has been observed in individual(s) with POFUT1-related conditions (PMID: 25229252). An algorithm developed to predict the effect of missense changes on protein structure and function (PolyPhen-2) suggests that this variant is likely to be disruptive. In summary, the available evidence is currently insufficient to determine the role of this variant in disease. Therefore, it has been classified as a Variant of Uncertain Significance.

Literature cited by the submitters: PubMed 25229252.